The following is an entry in ClinVar:

NM_005413.4(SIX3):c.27_28del (p.Tyr10fs)

Gene: SIX3 (SIX homeobox 3; plus strand). Cytogenetic location: 2p21.
Variant type: Microsatellite.
Coding change: c.27_28del on transcript NM_005413.4 (MANE Select); coding-DNA positions 27 to 28, 2 bases deleted (CT; older notation c.27_28delCT).
Protein change: p.Tyr10fs; shifts the reading frame from tyrosine 10.
Molecular consequence: frameshift variant.
Genome position (GRCh38, 1-based): chr2:44,942,131-44,942,132, CT deleted; deleting any 2 consecutive bases within chr2:44,942,129-44,942,132 gives the same sequence; the c. name uses the placement nearest the transcript's 3' end. VCF-style (leftmost placement, unchanged base first): chr2-44942128-CCT-C. GRCh37 (hg19) VCF-style: chr2-45169267-CCT-C.
Other names: short protein forms Y10fs.
Identifiers: ClinVar variation 1318865 (VCV001318865.5), dbSNP rs1349107308, ClinGen allele CA2580611267.

ClinVar aggregate classification (germline): Likely pathogenic (1 of 4 stars; one submission).

Submission:

GeneDx
Classification: Likely pathogenic. Last evaluated: 2026-01-13. Review status: criteria provided, single submitter. Criteria: GeneDx Variant Classification Process June 2021. Collection method: clinical testing. Allele origin: germline. Affected: yes.
Comment: Frameshift variant predicted to result in protein truncation or nonsense mediated decay in a gene for which loss of function is a known mechanism of disease; Not observed at significant frequency in large population cohorts (gnomAD); Has not been previously published as pathogenic or benign to our knowledge